The following is an entry in ClinVar:

ClinVar aggregate classification (germline): Conflicting classifications of pathogenicity. Review status: criteria provided, conflicting classifications (1 of 4 stars). 10 submissions from 9 submitters: Uncertain significance (2); Benign (1); Likely benign (7). Last evaluated 2026-06-11.

Conditions:
PRKAG2-related disorder. Also called: PRKAG2-related condition; PRKAG2-related disorders.
Lethal congenital glycogen storage disease of heart. Also called: GLYCOGEN STORAGE DISEASE OF HEART; PHOSPHORYLASE KINASE DEFICIENCY OF HEART. Identifiers: Orphanet 439854, MedGen C1849813, MONDO:0009867, OMIM 261740.
Wolff-Parkinson-White pattern. Also called: WPW SYNDROME; Auriculoventricular accessory pathway syndrome; False bundle branch block syndrome; Anomalous ventricular excitation syndrome. Identifiers: MedGen C0043202, MONDO:0008685, OMIM 194200, HP:0001716.
Hypertrophic cardiomyopathy 6. Identifiers: MedGen C1833236, MONDO:0010946, OMIM 600858.
Hypertrophic cardiomyopathy. Also called: HYPERTROPHIC MYOCARDIOPATHY. Identifiers: Orphanet 217569, MedGen C0007194, MeSH D002312, MONDO:0005045, HP:0001639.
Cardiovascular phenotype. Identifiers: MedGen CN230736.
Cardiomyopathy (CMYO). Also called: Cardiomyopathies. Identifiers: Orphanet 167848, MedGen C0878544, MONDO:0004994, HP:0001638. Inheritance: Various modes of inheritance.

Allele frequency attached by ClinVar (database versions not stated): gnomAD below 0.00001 and 0.00003; TOPMed 0.00003; gnomAD exomes 0.00009 and 0.00018; ExAC 0.00019.
gnomAD v4.1: 128 of 1,613,148 alleles (0.0079%); highest among the groups gnomAD compares: South Asian, 0.14%; no homozygotes.

Submissions (10):

PreventionGenetics, part of Exact Sciences
Classification: Likely benign for PRKAG2-related condition. Last evaluated: 2026-06-11. Review status: criteria provided, single submitter. Criteria: ACMG Guidelines, 2015. Collection method: clinical testing. Allele origin: germline.
Comment: This variant is classified as likely benign based on ACMG/AMP sequence variant interpretation guidelines (Richards et al. 2015 PMID: 25741868, with internal and published modifications).

Labcorp Genetics (formerly Invitae), Labcorp
Classification: Likely benign for Lethal congenital glycogen storage disease of heart. Last evaluated: 2026-02-01. Review status: criteria provided, single submitter. Criteria: Invitae Variant Classification Sherloc (09022015). Collection method: clinical testing. Allele origin: germline.

All of Us Research Program, National Institutes of Health
Classification: Likely benign for Hypertrophic cardiomyopathy. Last evaluated: 2024-09-27. Review status: criteria provided, single submitter. Criteria: ACMG Guidelines, 2015. Collection method: clinical testing. Allele origin: germline. Inheritance: Autosomal dominant inheritance. Observed: 12 variant alleles, 12 heterozygotes.
Comment: This study involves interpretation of variants in research participants for the purpose of population health screening. Participant phenotype was not available at the time of variant classification. Additional details can be found in publication PMID: 35346344, PMCID: PMC8962531

GeneDx
Classification: Likely benign. Last evaluated: 2020-12-04. Review status: criteria provided, single submitter. Criteria: GeneDx Variant Classification Process June 2021. Collection method: clinical testing. Allele origin: germline. Affected: yes.

Ambry Genetics
Classification: Likely benign for Cardiovascular phenotype. Last evaluated: 2020-03-04. Review status: criteria provided, single submitter. Criteria: Ambry Variant Classification Scheme 2023. Collection method: clinical testing. Allele origin: germline.

Blueprint Genetics
Classification: Likely benign. Last evaluated: 2019-07-26. Review status: criteria provided, single submitter. Criteria: ACMG Guidelines, 2015. Collection method: clinical testing. Allele origin: germline.

Color Diagnostics, LLC DBA Color Health
Classification: Likely benign for Cardiomyopathy. Last evaluated: 2018-10-27. Review status: criteria provided, single submitter. Criteria: ACMG Guidelines, 2015. Collection method: clinical testing. Allele origin: germline.

CHEO Genetics Diagnostic Laboratory, Children's Hospital of Eastern Ontario
Classification: Benign for Cardiomyopathy. Last evaluated: 2018-05-02. Review status: criteria provided, single submitter. Criteria: ACMG Guidelines, 2015. Collection method: clinical testing. Allele origin: germline.

Illumina Laboratory Services, Illumina
Classification: Uncertain significance for Wolff-Parkinson-White pattern. Last evaluated: 2018-01-12. Review status: criteria provided, single submitter. Criteria: ICSL Variant Classification Criteria 13 December 2019. Collection method: clinical testing. Allele origin: germline.

Illumina Laboratory Services, Illumina
Classification: Uncertain significance for Hypertrophic cardiomyopathy 6. Last evaluated: 2018-01-12. Review status: criteria provided, single submitter. Criteria: ICSL Variant Classification Criteria 13 December 2019. Collection method: clinical testing. Allele origin: germline.

NM_016203.4(PRKAG2):c.248C>T (p.Pro83Leu)

Gene: PRKAG2 (protein kinase AMP-activated non-catalytic subunit gamma 2; minus strand). Cytogenetic location: 7q36.1.
Variant type: single nucleotide variant.
Coding change: c.248C>T on transcript NM_016203.4 (MANE Select); coding-DNA position 248, C replaced by T.
Protein change: p.Pro83Leu; replaces proline 83 with leucine.
Molecular consequence: missense variant.
Genome position (GRCh38, 1-based): chr7:151,781,370, G>A on the plus strand (C>T on the coding strand, the complement: PRKAG2 is on the minus strand). VCF-style: chr7-151781370-G-A. GRCh37 (hg19) VCF-style: chr7-151478456-G-A.
Other names: c.116C>T, p.Pro39Leu (NM_001040633.2); short protein forms P83L, P39L.
Identifiers: ClinVar variation 359348 (VCV000359348.25), dbSNP rs757900380, ClinGen allele CA056576.